The following is an entry in ClinVar:

NM_181486.4(TBX5):c.613G>A (p.Val205Ile)

Gene: TBX5 (T-box transcription factor 5; minus strand). Cytogenetic location: 12q24.21.
Variant type: single nucleotide variant.
Coding change: c.613G>A on transcript NM_181486.4 (MANE Select); coding-DNA position 613, G replaced by A.
Protein change: p.Val205Ile; replaces valine 205 with isoleucine.
Molecular consequence: missense variant.
Genome position (GRCh38, 1-based): chr12:114,394,791, C>T on the plus strand (G>A on the coding strand, the complement: TBX5 is on the minus strand). VCF-style: chr12-114394791-C-T. GRCh37 (hg19) VCF-style: chr12-114832596-C-T.
Other names: c.613G>A, p.Val205Ile (NM_000192.3); c.463G>A, p.Val155Ile (NM_080717.4); short protein forms V155I, V205I.
Identifiers: ClinVar variation 1751826 (VCV001751826.9), dbSNP rs190881877, ClinGen allele CA6809566.

ClinVar aggregate classification (germline): Uncertain significance. Review status: criteria provided, multiple submitters, no conflicts (2 of 4 stars). 3 submissions from 3 submitters: Uncertain significance (3). Last evaluated 2025-12-20.

Conditions:
Cardiovascular phenotype. Identifiers: MedGen CN230736.
Aortic valve disease 2 (AOVD2). Identifiers: MedGen C3542024, MONDO:0013902, OMIM 614823.

Submissions (3):

Dasa
Classification: Uncertain significance. Last evaluated: 2025-12-20. Review status: criteria provided, single submitter. Criteria: DASA Assertion Criteria. Collection method: clinical testing. Allele origin: germline.
Comment: NM_181486.4(TBX5):c.613G>A (p.Val205Ile) is a missense variant that results in the substitution of valine with isoleucine. The affected residue or protein region has prior evidence supporting clinical relevance. This variant is rare in population databases. The currently available literature and clinical evidence are not sufficient to establish a definitive association between this variant and the reported condition. Therefore, this variant is classified as a variant of uncertain significance.

Labcorp Genetics (formerly Invitae), Labcorp
Classification: Uncertain significance for Aortic valve disease 2. Last evaluated: 2022-04-11. Review status: criteria provided, single submitter. Criteria: Invitae Variant Classification Sherloc (09022015). Collection method: clinical testing. Allele origin: germline.
Comment: This sequence change replaces valine, which is neutral and non-polar, with isoleucine, which is neutral and non-polar, at codon 205 of the TBX5 protein (p.Val205Ile). This variant is present in population databases (rs190881877, gnomAD 0.01%). This variant has not been reported in the literature in individuals affected with TBX5-related conditions. Advanced modeling of protein sequence and biophysical properties (such as structural, functional, and spatial information, amino acid conservation, physicochemical variation, residue mobility, and thermodynamic stability) performed at Invitae indicates that this missense variant is not expected to disrupt TBX5 protein function. In summary, the available evidence is currently insufficient to determine the role of this variant in disease. Therefore, it has been classified as a Variant of Uncertain Significance.

Ambry Genetics
Classification: Uncertain significance for Cardiovascular phenotype. Last evaluated: 2018-12-18. Review status: criteria provided, single submitter. Criteria: Ambry Variant Classification Scheme 2023. Collection method: clinical testing. Allele origin: germline.
Comment: The p.V205I variant (also known as c.613G>A), located in coding exon 5 of the TBX5 gene, results from a G to A substitution at nucleotide position 613. The valine at codon 205 is replaced by isoleucine, an amino acid with highly similar properties. This amino acid position is highly conserved in available vertebrate species. In addition, the in silico prediction for this alteration is inconclusive. Since supporting evidence is limited at this time, the clinical significance of this alteration remains unclear.